The following is an entry in ClinVar:

NM_001737.5(C9):c.1241-7T>A

Gene: C9 (complement C9; minus strand). Cytogenetic location: 5p13.1.
Variant type: single nucleotide variant.
Coding change: c.1241-7T>A on transcript NM_001737.5 (MANE Select); 7 bases into the intron before coding-DNA position 1241, T replaced by A.
Molecular consequence: intron variant.
Genome position (GRCh38, 1-based): chr5:39,306,799, A>T on the plus strand (T>A on the coding strand, the complement: C9 is on the minus strand). VCF-style: chr5-39306799-A-T. GRCh37 (hg19) VCF-style: chr5-39306901-A-T.
Other names: c.1241-7T>A (NM_001737.4).
Identifiers: ClinVar variation 1434244 (VCV001434244.10), dbSNP rs868081502, ClinGen allele CA117170047.

ClinVar aggregate classification (germline): Conflicting classifications of pathogenicity. Review status: criteria provided, conflicting classifications (1 of 4 stars). 4 submissions from 4 submitters: Uncertain significance (2); Likely benign (1). 1 of the submissions does not count toward it. Last evaluated 2025-12-08.

Conditions:
C9-related disorder. Also called: C9-related condition.

Allele frequency attached by ClinVar (database versions not stated): gnomAD exomes below 0.00001 and 0.00002; gnomAD 0.00001; TOPMed 0.00001.
gnomAD v4.1: 34 of 1,600,910 alleles (0.0021%); highest among the groups gnomAD compares: Middle Eastern, 0.4%; 1 homozygote.

Submissions (4):

Labcorp Genetics (formerly Invitae), Labcorp
Classification: Likely benign. Last evaluated: 2025-12-08. Review status: criteria provided, single submitter. Criteria: Invitae Variant Classification Sherloc (09022015). Collection method: clinical testing. Allele origin: germline.

Blueprint Genetics
Classification: Uncertain significance. Last evaluated: 2024-05-03. Review status: criteria provided, single submitter. Criteria: ACMG Guidelines, 2015. Collection method: clinical testing. Allele origin: germline.

Breakthrough Genomics
Classification: Uncertain significance. Review status: criteria provided, single submitter. Criteria: ACMG Guidelines, 2015. Collection method: not provided. Allele origin: germline. Inheritance: Autosomal dominant inheritance. Affected: yes.

PreventionGenetics, part of Exact Sciences
Classification: Likely benign for C9-related condition. Last evaluated: 2019-06-21. Review status: no assertion criteria provided. Collection method: clinical testing. Allele origin: germline. Not counted in ClinVar's aggregate classification.
Comment: This variant is classified as likely benign based on ACMG/AMP sequence variant interpretation guidelines (Richards et al. 2015 PMID: 25741868, with internal and published modifications).